The following is an entry in ClinVar:

ClinVar aggregate classification (germline): Uncertain significance (1 of 4 stars; one submission).

Conditions:
Methylmalonic acidemia due to transcobalamin receptor defect (MATR). Also called: METHYLMALONIC ACIDEMIA, TCblR TYPE; METHYLMALONIC ACIDURIA, TRANSIENT, DUE TO TRANSCOBALAMIN RECEPTOR DEFECT. Identifiers: Orphanet 280183, MedGen C4749905, MONDO:0013341, OMIM 613646.

Submission:

Labcorp Genetics (formerly Invitae), Labcorp
Classification: Uncertain significance for Methylmalonic acidemia due to transcobalamin receptor defect. Last evaluated: 2024-06-03. Review status: criteria provided, single submitter. Criteria: Invitae Variant Classification Sherloc (09022015). Collection method: clinical testing. Allele origin: germline.
Comment: This sequence change replaces asparagine, which is neutral and polar, with lysine, which is basic and polar, at codon 213 of the CD320 protein (p.Asn213Lys). This variant is not present in population databases (gnomAD no frequency). This variant has not been reported in the literature in individuals affected with CD320-related conditions. An algorithm developed to predict the effect of missense changes on protein structure and function (PolyPhen-2) suggests that this variant is likely to be disruptive. In summary, the available evidence is currently insufficient to determine the role of this variant in disease. Therefore, it has been classified as a Variant of Uncertain Significance.

NM_016579.4(CD320):c.639T>G (p.Asn213Lys)

Gene: CD320 (CD320 molecule; minus strand). Cytogenetic location: 19p13.2.
Variant type: single nucleotide variant.
Coding change: c.639T>G on transcript NM_016579.4 (MANE Select); coding-DNA position 639, T replaced by G.
Protein change: p.Asn213Lys; replaces asparagine 213 with lysine.
Molecular consequence: missense variant.
Genome position (GRCh38, 1-based): chr19:8,302,844, A>C on the plus strand (T>G on the coding strand, the complement: CD320 is on the minus strand). VCF-style: chr19-8302844-A-C. GRCh37 (hg19) VCF-style: chr19-8367728-A-C.
Other names: c.513T>G, p.Asn171Lys (NM_001165895.2); short protein forms N171K, N213K.
Identifiers: ClinVar variation 3651010 (VCV003651010.2).